The following is an entry in ClinVar:

NM_000939.4(POMC):c.120A>C (p.Glu40Asp)

Gene: POMC (proopiomelanocortin; minus strand). Cytogenetic location: 2p23.3.
Variant type: single nucleotide variant.
Coding change: c.120A>C on transcript NM_000939.4 (MANE Select); coding-DNA position 120, A replaced by C.
Protein change: p.Glu40Asp; replaces glutamic acid 40 with aspartic acid.
Molecular consequence: missense variant.
Genome position (GRCh38, 1-based): chr2:25,164,653, T>G on the plus strand (A>C on the coding strand, the complement: POMC is on the minus strand). VCF-style: chr2-25164653-T-G. GRCh37 (hg19) VCF-style: chr2-25387522-T-G.
Other names: c.120A>C, p.Glu40Asp (NM_001035256.3, NM_001319204.2, NM_001319205.2); short protein forms E40D.
Identifiers: ClinVar variation 4999298 (VCV004999298.1).

ClinVar aggregate classification (germline): Uncertain significance (1 of 4 stars; one submission).

Conditions:
POMC-related disorder. Also called: POMC-related condition; POMC-related disorders.

gnomAD v4.1: 1 of 1,614,084 alleles (0.000062%); highest among the groups gnomAD compares: Admixed American, 0.0017%; no homozygotes.

Submission:

PreventionGenetics, part of Exact Sciences
Classification: Uncertain significance for POMC-related condition. Last evaluated: 2024-11-18. Review status: criteria provided, single submitter. Criteria: ACMG Guidelines, 2015. Collection method: clinical testing. Allele origin: germline.
Comment: The POMC c.120A>C variant is predicted to result in the amino acid substitution p.Glu40Asp. To our knowledge, this variant has not been reported in the literature. This variant is reported in 0.0029% of alleles in individuals of Latino descent in gnomAD. At this time, the clinical significance of this variant is uncertain due to the absence of conclusive functional and genetic evidence.